The following is an entry in ClinVar:

ClinVar aggregate classification (germline): Uncertain significance (1 of 4 stars; one submission).

Conditions:
Inborn genetic diseases. Identifiers: MedGen C0950123, MeSH D030342.

Allele frequency attached by ClinVar (database versions not stated): gnomAD exomes below 0.00001.
gnomAD v4.1: 1 of 1,608,410 alleles (0.000062%); highest among the groups gnomAD compares: Non-Finnish European, 0.000085%; no homozygotes.

Submission:

Ambry Genetics
Classification: Uncertain significance for Inborn genetic diseases. Last evaluated: 2023-10-20. Review status: criteria provided, single submitter. Criteria: Ambry Variant Classification Scheme 2023. Collection method: clinical testing. Allele origin: germline.
Comment: The p.V2396A variant (also known as c.7187T>C), located in coding exon 49 of the LRRK2 gene, results from a T to C substitution at nucleotide position 7187. The valine at codon 2396 is replaced by alanine, an amino acid with similar properties. This amino acid position is conserved. In addition, this alteration is predicted to be tolerated by in silico analysis. Since supporting evidence is limited at this time, the clinical significance of this alteration remains unclear.

NM_198578.4(LRRK2):c.7187T>C (p.Val2396Ala)

Gene: LRRK2 (leucine rich repeat kinase 2; plus strand). Cytogenetic location: 12q12.
Variant type: single nucleotide variant.
Coding change: c.7187T>C on transcript NM_198578.4 (MANE Select); coding-DNA position 7187, T replaced by C.
Protein change: p.Val2396Ala; replaces valine 2396 with alanine.
Molecular consequence: missense variant.
Genome position (GRCh38, 1-based): chr12:40,364,847, T>C. VCF-style: chr12-40364847-T-C. GRCh37 (hg19) VCF-style: chr12-40758649-T-C.
Other names: short protein forms V2396A.
Identifiers: ClinVar variation 3229778 (VCV003229778.1), dbSNP rs2500036996, ClinGen allele CA384414424.